The following is an entry in ClinVar:

NM_001130004.2(ACTN1):c.1199G>A (p.Arg400Gln)

Gene: ACTN1 (actinin alpha 1; minus strand). Cytogenetic location: 14q24.1.
Variant type: single nucleotide variant.
Coding change: c.1199G>A on transcript NM_001130004.2 (MANE Select); coding-DNA position 1199, G replaced by A.
Protein change: p.Arg400Gln; replaces arginine 400 with glutamine.
Molecular consequence: missense variant.
Genome position (GRCh38, 1-based): chr14:68,890,174, C>T on the plus strand (G>A on the coding strand, the complement: ACTN1 is on the minus strand). VCF-style: chr14-68890174-C-T. GRCh37 (hg19) VCF-style: chr14-69356891-C-T.
Other names: c.1199G>A, p.Arg400Gln (NM_001130005.2, NM_001102.4, NM_001411035.1); c.1004G>A, p.Arg335Gln (NM_001411036.1); short protein forms R335Q, R400Q.
Identifiers: ClinVar variation 2171255 (VCV002171255.4), dbSNP rs575011573, ClinGen allele CA7242447.

ClinVar aggregate classification (germline): Uncertain significance (1 of 4 stars; one submission).

Allele frequency attached by ClinVar (database versions not stated): TOPMed 0.00002; 1000 Genomes Project 30x 0.00031; 1000 Genomes Project 0.00040.
gnomAD v4.1: 30 of 1,614,134 alleles (0.0019%); highest among the groups gnomAD compares: South Asian, 0.0088%; no homozygotes.

Submission:

Labcorp Genetics (formerly Invitae), Labcorp
Classification: Uncertain significance. Last evaluated: 2022-10-07. Review status: criteria provided, single submitter. Criteria: Invitae Variant Classification Sherloc (09022015). Collection method: clinical testing. Allele origin: germline.
Comment: This sequence change replaces arginine, which is basic and polar, with glutamine, which is neutral and polar, at codon 400 of the ACTN1 protein (p.Arg400Gln). In summary, the available evidence is currently insufficient to determine the role of this variant in disease. Therefore, it has been classified as a Variant of Uncertain Significance. Advanced modeling of protein sequence and biophysical properties (such as structural, functional, and spatial information, amino acid conservation, physicochemical variation, residue mobility, and thermodynamic stability) performed at Invitae indicates that this missense variant is not expected to disrupt ACTN1 protein function. This variant has not been reported in the literature in individuals affected with ACTN1-related conditions. This variant is present in population databases (rs575011573, gnomAD 0.02%).